The following is an entry in ClinVar:

NM_001142416.2(AIMP1):c.432T>A (p.Ser144Arg)

Gene: AIMP1 (aminoacyl tRNA synthetase complex interacting multifunctional protein 1; plus strand). Cytogenetic location: 4q24.
Variant type: single nucleotide variant.
Coding change: c.432T>A on transcript NM_001142416.2 (MANE Select); coding-DNA position 432, T replaced by A.
Protein change: p.Ser144Arg; replaces serine 144 with arginine.
Molecular consequence: missense variant.
Genome position (GRCh38, 1-based): chr4:106,331,712, T>A. VCF-style: chr4-106331712-T-A. GRCh37 (hg19) VCF-style: chr4-107252869-T-A.
Other names: c.432T>A, p.Ser144Arg (NM_001142415.2, NM_004757.4); short protein forms S144R.
Identifiers: ClinVar variation 1921684 (VCV001921684.3), dbSNP rs777733916, ClinGen allele CA3035725.

ClinVar aggregate classification (germline): Uncertain significance (1 of 4 stars; one submission).

Allele frequency attached by ClinVar (database versions not stated): gnomAD exomes 0.00001; ExAC 0.00002; gnomAD 0.00002; TOPMed 0.00002.
gnomAD v4.1: 17 of 1,614,020 alleles (0.0011%); highest among the groups gnomAD compares: Admixed American, 0.0083%; no homozygotes.

Submission:

Labcorp Genetics (formerly Invitae), Labcorp
Classification: Uncertain significance. Last evaluated: 2022-05-21. Review status: criteria provided, single submitter. Criteria: Invitae Variant Classification Sherloc (09022015). Collection method: clinical testing. Allele origin: germline.
Comment: In summary, the available evidence is currently insufficient to determine the role of this variant in disease. Therefore, it has been classified as a Variant of Uncertain Significance. Algorithms developed to predict the effect of missense changes on protein structure and function (SIFT, PolyPhen-2, Align-GVGD) all suggest that this variant is likely to be tolerated. This variant has not been reported in the literature in individuals affected with AIMP1-related conditions. This variant is present in population databases (rs777733916, gnomAD 0.006%). This sequence change replaces serine, which is neutral and polar, with arginine, which is basic and polar, at codon 144 of the AIMP1 protein (p.Ser144Arg).